The following is an entry in ClinVar:

ClinVar aggregate classification (germline): Uncertain significance (1 of 4 stars; one submission).

Submission:

Labcorp Genetics (formerly Invitae), Labcorp
Classification: Uncertain significance. Last evaluated: 2020-08-01. Review status: criteria provided, single submitter. Criteria: Invitae Variant Classification Sherloc (09022015). Collection method: clinical testing. Allele origin: germline.
Comment: This sequence change replaces alanine with glycine at codon 58 of the CTNNA1 protein (p.Ala58Gly). The alanine residue is highly conserved and there is a small physicochemical difference between alanine and glycine. This variant is not present in population databases (ExAC no frequency). This variant has not been reported in the literature in individuals with CTNNA1-related conditions. Algorithms developed to predict the effect of missense changes on protein structure and function are either unavailable or do not agree on the potential impact of this missense change (SIFT: "Deleterious"; PolyPhen-2: "Benign"; Align-GVGD: "Class C0"). In summary, the available evidence is currently insufficient to determine the role of this variant in disease. Therefore, it has been classified as a Variant of Uncertain Significance.

NM_001903.5(CTNNA1):c.173C>G (p.Ala58Gly)

Gene: CTNNA1 (catenin alpha 1; plus strand). Cytogenetic location: 5q31.2.
Variant type: single nucleotide variant.
Coding change: c.173C>G on transcript NM_001903.5 (MANE Select); coding-DNA position 173, C replaced by G.
Protein change: p.Ala58Gly; replaces alanine 58 with glycine.
Molecular consequence: missense variant. On other transcripts: 5 prime UTR variant (1), intron variant (1).
Genome position (GRCh38, 1-based): chr5:138,783,244, C>G. VCF-style: chr5-138783244-C-G. GRCh37 (hg19) VCF-style: chr5-138118933-C-G.
Other names: c.173C>G, p.Ala58Gly (NM_001290307.3, NM_001323982.2, NM_001323983.1 and 3 more transcripts); c.-34C>G (NM_001290310.3); c.-9+1215C>G (NM_001290309.3); short protein forms A58G.
Identifiers: ClinVar variation 1017900 (VCV001017900.8), dbSNP rs780078260, ClinGen allele CA361477405.
Genomic context (GRCh38, chr5:138,783,244, plus strand): 5'-CCCTTGTAAACACCAATAGTAAAGGGCCCTCTAATAAGAAGAGAGGTCGTTCTAAGAAGG[C>G]CCATGTTTTGGCTGCATCTGTTGAACAAGCAACTGAGAATTTCTTGGAGAAGGGGGATAA-3'
Protein context (NP_001894.2, residues 48-68): SNKKRGRSKK[Ala58Gly]HVLAASVEQA